The following is an entry in ClinVar:

ClinVar aggregate classification (germline): Uncertain significance (1 of 4 stars; one submission).

Submission:

Labcorp Genetics (formerly Invitae), Labcorp
Classification: Uncertain significance. Last evaluated: 2022-07-26. Review status: criteria provided, single submitter. Criteria: Invitae Variant Classification Sherloc (09022015). Collection method: clinical testing. Allele origin: germline.
Comment: This sequence change replaces threonine, which is neutral and polar, with alanine, which is neutral and non-polar, at codon 131 of the CHM protein (p.Thr131Ala). This variant is not present in population databases (gnomAD no frequency). This variant has not been reported in the literature in individuals affected with CHM-related conditions. ClinVar contains an entry for this variant (Variation ID: 1024784). Algorithms developed to predict the effect of missense changes on protein structure and function output the following: SIFT: "Tolerated"; PolyPhen-2: "Benign"; Align-GVGD: "Class C0". The alanine amino acid residue is found in multiple mammalian species, which suggests that this missense change does not adversely affect protein function. In summary, the available evidence is currently insufficient to determine the role of this variant in disease. Therefore, it has been classified as a Variant of Uncertain Significance.

NM_000390.4(CHM):c.391A>G (p.Thr131Ala)

Genes: CHM (CHM Rab escort protein; minus strand), LOC129391306 (MPRA-validated peak7401 silencer; plus strand). Cytogenetic location: Xq21.2.
Variant type: single nucleotide variant.
Coding change: c.391A>G on transcript NM_000390.4 (MANE Select); coding-DNA position 391, A replaced by G.
Protein change: p.Thr131Ala; replaces threonine 131 with alanine.
Molecular consequence: missense variant. On other transcripts: 5 prime UTR variant (4).
Genome position (GRCh38, 1-based): chrX:85,963,976, T>C on the plus strand (A>G on the coding strand, the complement: CHM is on the minus strand). VCF-style: chrX-85963976-T-C. GRCh37 (hg19) VCF-style: chrX-85218981-T-C.
Other names: c.-54A>G (NM_001320959.1, NM_001362517.1, NM_001362518.2 and 1 more transcripts); short protein forms T131A.
Identifiers: ClinVar variation 1024784 (VCV001024784.8), dbSNP rs1930440793, ClinGen allele CA413787290.
Genomic context (GRCh38, chrX:85,963,976, plus strand): 5'-AGCTCATAGTGCTTAATGACTCATCCTCCGTAGGCAGGAAGGCAGAATCTGCAGCTTCTG[T>C]GGAGTTTGCAGATGTCACAAGAGCATGATTTTTCTGCAGTGCACCAGCTTCTTCGACATC-3'
Protein context (NP_000381.1, residues 121-141): NHALVTSANS[Thr131Ala]EAADSAFLPT